The following is an entry in ClinVar:

ClinVar aggregate classification (germline): Benign/Likely benign. Review status: criteria provided, multiple submitters, no conflicts (2 of 4 stars). 2 submissions from 2 submitters: Benign (1); Likely benign (1). Last evaluated 2026-01-28.

Allele frequency attached by ClinVar (database versions not stated): gnomAD exomes 0.00770 and 0.00604; ExAC 0.00826; ESP Exome Variant Server 0.00429; 1000 Genomes Project 0.00459; 1000 Genomes Project 30x 0.00484; gnomAD 0.00603 and 0.00625; TOPMed 0.00608.
gnomAD v4.1: 12,046 of 1,596,780 alleles (0.75%); highest among the groups gnomAD compares: East Asian, 1.6%; 79 homozygotes.

Submissions (2):

Labcorp Genetics (formerly Invitae), Labcorp
Classification: Benign. Last evaluated: 2026-01-28. Review status: criteria provided, single submitter. Criteria: Invitae Variant Classification Sherloc (09022015). Collection method: clinical testing. Allele origin: germline.

CeGaT Center for Human Genetics Tuebingen
Classification: Likely benign. Last evaluated: 2024-01-01. Review status: criteria provided, single submitter. Criteria: CeGaT Center For Human Genetics Tuebingen Variant Classification Criteria Version 2. Collection method: clinical testing. Allele origin: germline. Affected: yes. Observed: 3 variant alleles.
Comment: TBCD: BS2

NM_005993.5(TBCD):c.3554T>C (p.Leu1185Pro)

Gene: TBCD (tubulin folding cofactor D). Cytogenetic location: 17q25.3.
Variant type: single nucleotide variant.
Coding change: c.3554T>C on transcript NM_005993.5 (MANE Select); coding-DNA position 3554, T replaced by C.
Protein change: p.Leu1185Pro; replaces leucine 1185 with proline.
Molecular consequence: missense variant.
Genome position (GRCh38, 1-based): chr17:82,941,473, T>C. VCF-style: chr17-82941473-T-C. GRCh37 (hg19) VCF-style: chr17-80899349-T-C.
Other names: short protein forms L1185P.
Identifiers: ClinVar variation 709617 (VCV000709617.40), dbSNP rs2292969, ClinGen allele CA8863689.
Genomic context (GRCh38, chr17:82,941,473, plus strand): 5'-CAGTGGTGAGAGAGCAGCGCAACCGTCTGTGTGACCTTCTGGGCGTACCCAGGCCCCAGC[T>C]GGTGCCCCAGGTAACCCTGTCACCTTCACAGCATGAGGTGCCTGTGCTTCCCTGAGCTCT-3'
Protein context (NP_005984.3, residues 1175-1192): CDLLGVPRPQ[Leu1185Pro]VPQPGAC